The following is an entry in ClinVar:

NM_004380.3(CREBBP):c.960C>T (p.Thr320=)

Gene: CREBBP (CREB binding lysine acetyltransferase; minus strand). Cytogenetic location: 16p13.3.
Variant type: single nucleotide variant.
Coding change: c.960C>T on transcript NM_004380.3 (MANE Select); coding-DNA position 960, C replaced by T.
Protein change: p.Thr320=; no amino-acid change (threonine 320 retained).
Molecular consequence: synonymous variant.
Genome position (GRCh38, 1-based): chr16:3,810,618, G>A on the plus strand (C>T on the coding strand, the complement: CREBBP is on the minus strand). VCF-style: chr16-3810618-G-A. GRCh37 (hg19) VCF-style: chr16-3860619-G-A.
Other names: c.960C>T, p.Thr320= (NM_001079846.1).
Identifiers: ClinVar variation 707659 (VCV000707659.9), dbSNP rs898885851, ClinGen allele CA277007748.

ClinVar aggregate classification (germline): Likely benign. Review status: criteria provided, multiple submitters, no conflicts (2 of 4 stars). 4 submissions from 4 submitters: Likely benign (4). Last evaluated 2025-09-08.

Conditions:
Rubinstein-Taybi syndrome due to CREBBP mutations (RSTS1). Also called: BROAD THUMBS AND GREAT TOES, CHARACTERISTIC FACIES, AND IMPAIRED INTELLECTUAL DEVELOPMENT; CREBBP-Related Rubinstein-Taybi Syndrome; RUBINSTEIN SYNDROME; Rubinstein-Taybi syndrome 1; RUBINSTEIN-TAYBI SYNDROME 1, INCOMPLETE; BROAD THUMB-HALLUX SYNDROME. Identifiers: Orphanet 353277, Orphanet 783, MedGen C4551859, MONDO:0008393, OMIM 180849.
Menke-Hennekam syndrome 1 (MKHK1). Identifiers: MedGen C5193034, MONDO:0020763, OMIM 618332.
Rubinstein-Taybi syndrome (RSTS). Identifiers: Orphanet 783, MedGen C0035934, MONDO:0019188.
CREBBP-related disorder. Also called: CREBBP-related disorders; CREBBP-related condition.

Allele frequency attached by ClinVar (database versions not stated): gnomAD exomes below 0.00001; gnomAD 0.00001; TOPMed 0.00003.
gnomAD v4.1: 19 of 1,613,634 alleles (0.0012%); highest among the groups gnomAD compares: African/African-American, 0.004%; no homozygotes.

Submissions (4):

Labcorp Genetics (formerly Invitae), Labcorp
Classification: Likely benign for Rubinstein-Taybi syndrome. Last evaluated: 2025-09-08. Review status: criteria provided, single submitter. Criteria: Invitae Variant Classification Sherloc (09022015). Collection method: clinical testing. Allele origin: germline.

PreventionGenetics, part of Exact Sciences
Classification: Likely benign for CREBBP-related condition. Last evaluated: 2024-12-31. Review status: criteria provided, single submitter. Criteria: ACMG Guidelines, 2015. Collection method: clinical testing. Allele origin: germline.
Comment: This variant is classified as likely benign based on ACMG/AMP sequence variant interpretation guidelines (Richards et al. 2015 PMID: 25741868, with internal and published modifications).

Blueprint Genetics
Classification: Likely benign. Last evaluated: 2024-05-09. Review status: criteria provided, single submitter. Criteria: ACMG Guidelines, 2015. Collection method: clinical testing. Allele origin: germline.

Fulgent Genetics
Classification: Likely benign for Rubinstein-Taybi syndrome due to CREBBP mutations; Menke-Hennekam syndrome 1. Last evaluated: 2021-09-08. Review status: criteria provided, single submitter. Criteria: ACMG Guidelines, 2015. Collection method: clinical testing. Allele origin: unknown.